The following is an entry in ClinVar:

ClinVar aggregate classification (germline): Pathogenic. Review status: criteria provided, multiple submitters, no conflicts (2 of 4 stars). 3 submissions from 3 submitters: Pathogenic (3). Last evaluated 2025-10-24.

Conditions:
Primary hyperoxaluria, type I (HP1). Also called: OXALOSIS I; Primary hyperoxaluria type 1; GLYCOLIC ACIDURIA; HEPATIC AGT DEFICIENCY. Identifiers: Orphanet 416, Orphanet 93598, MedGen C0268164, MONDO:0009823, OMIM 259900. Disease mechanism: loss of function.

Submissions (3):

Kasturba Medical College, Manipal, Kasturba Medical College, Manipal, Manipal Academy of Higher Education, Manipal, India
Classification: Pathogenic for Primary hyperoxaluria, type I. Last evaluated: 2025-10-24. Review status: criteria provided, single submitter. Criteria: ACMG Guidelines, 2015. Collection method: research. Allele origin: biparental. Inheritance: Autosomal recessive inheritance. Affected: yes.
Comment: The variant is absent in gnomAD (v4.1.0) database. This variant is present in three similarly affected individuals in homozygous state and in one individual in heterozygous state in our in-house database of 3851 exomes. In silico prediction tools such as SpliceAI predict the variant to cause aberrant splicing.

Natera, Inc.
Classification: Pathogenic for Primary hyperoxaluria type I. Last evaluated: 2024-06-13. Review status: criteria provided, single submitter. Criteria: Natera Variant Classification Schema (03/2026). Collection method: clinical testing. Allele origin: germline.
Comment: The c.595+1G>T variant in AGXT is a canonical splice donor site variant predicted to affect pre-mRNA splicing, which may result in an abnormal transcript and altered protein product. This variant is expected to result in nonsense mediated decay, truncation, or a dysfunctional protein product. This variant is rare in the general population with a frequency below the threshold expected for the associated phenotype(s). This variant has been observed in one or more individuals affected with the associated recessive disease, as either homozygous or compound heterozygous with a second variant (PMID: 25644115). Given the available evidence, this variant is classified as Pathogenic.

Rare Kidney Stone Consortium and the Mayo Clinic Hyperoxaluria Center, Mayo Clinic
Classification: Pathogenic for Primary hyperoxaluria, type I. Last evaluated: 2023-10-27. Review status: criteria provided, single submitter. Criteria: ACMG Guidelines, 2015. Collection method: clinical testing. Allele origin: germline. Affected: yes.
Comment: ACMG:PVS1 PM2 PP4 PP5

Literature cited by the submitters: PubMed 25644115 (cited by 3 submitters).

NM_000030.3(AGXT):c.595+1G>T

Gene: AGXT (alanine--glyoxylate aminotransferase; plus strand). Cytogenetic location: 2q37.3.
Variant type: single nucleotide variant.
Coding change: c.595+1G>T on transcript NM_000030.3 (MANE Select); the canonical splice donor site of the intron after coding-DNA position 595, G replaced by T.
Molecular consequence: splice donor variant.
Genome position (GRCh38, 1-based): chr2:240,873,050, G>T. VCF-style: chr2-240873050-G-T. GRCh37 (hg19) VCF-style: chr2-241812467-G-T.
Identifiers: ClinVar variation 2664127 (VCV002664127.4), dbSNP rs1172393548, ClinGen allele CA351316633.